The following is an entry in ClinVar:

ClinVar aggregate classification (germline): Pathogenic. Review status: criteria provided, multiple submitters, no conflicts (2 of 4 stars). 4 submissions from 4 submitters: Pathogenic (4). Last evaluated 2026-09-18.

Conditions:
Primary ciliary dyskinesia 7. Also called: CILIARY DYSKINESIA, PRIMARY, 7, WITH OR WITHOUT SITUS INVERSUS. Identifiers: Orphanet 244, MedGen C2678473, MONDO:0012748, OMIM 611884.
DNAH11-related disorder. Also called: DNAH11-related condition.
Primary ciliary dyskinesia. Also called: Ciliary dyskinesia. Identifiers: Orphanet 244, MedGen C0008780, MONDO:0016575, HP:0012265.

Allele frequency attached by ClinVar (database versions not stated): gnomAD exomes 0.00002; ExAC 0.00003.
gnomAD v4.1: 5 of 1,613,540 alleles (0.00031%); highest among the groups gnomAD compares: Admixed American, 0.005%; no homozygotes.

Submissions (4):

PreventionGenetics, part of Exact Sciences
Classification: Pathogenic for DNAH11-related condition. Last evaluated: 2026-09-18. Review status: criteria provided, single submitter. Criteria: ACMG Guidelines, 2015. Collection method: clinical testing. Allele origin: germline.
Comment: The DNAH11 c.12697C>T variant is predicted to result in premature protein termination (p.Gln4233*). This variant has been reported in the compound heterozygous condition in an individual with primary ciliary dyskinesia (Knowles et al. 2012. PubMed ID: 22184204). This variant is reported in 0.0087% of alleles in individuals of Latino descent in gnomAD. Nonsense variants in DNAH11 are expected to be pathogenic. This variant is interpreted as pathogenic.

Labcorp Genetics (formerly Invitae), Labcorp
Classification: Pathogenic for Primary ciliary dyskinesia. Last evaluated: 2025-09-26. Review status: criteria provided, single submitter. Criteria: Invitae Variant Classification Sherloc (09022015). Collection method: clinical testing. Allele origin: germline.
Comment: This sequence change creates a premature translational stop signal (p.Gln4233*) in the DNAH11 gene. It is expected to result in an absent or disrupted protein product. Loss-of-function variants in DNAH11 are known to be pathogenic (PMID: 18022865, 20513915, 22184204). This variant is present in population databases (rs72658823, gnomAD 0.009%). This premature translational stop signal has been observed in individual(s) with primary ciliary dyskinesia (PMID: 22184204). ClinVar contains an entry for this variant (Variation ID: 837205). For these reasons, this variant has been classified as Pathogenic.

Women's Health and Genetics/Laboratory Corporation of America, LabCorp
Classification: Pathogenic for Primary ciliary dyskinesia 7. Last evaluated: 2024-11-12. Review status: criteria provided, single submitter. Criteria: LabCorp Variant Classification Summary - May 2015. Collection method: clinical testing. Allele origin: germline.
Comment: Variant summary: DNAH11 c.12697C>T (p.Gln4233X) results in a premature termination codon, predicted to cause a truncation of the encoded protein or absence of the protein due to nonsense mediated decay, which are commonly known mechanisms for disease. The variant allele was found at a frequency of 2e-05 in 247854 control chromosomes (gnomAD). c.12697C>T has been reported in the literature in at least an individual affected with DNAH11-related conditions (example: Knowles_2011). The following publication has been ascertained in the context of this evaluation (PMID: 22184204). ClinVar contains an entry for this variant (Variation ID: 837205). Based on the evidence outlined above, the variant was classified as pathogenic.

Mayo Clinic Laboratories, Mayo Clinic
Classification: Pathogenic. Last evaluated: 2023-10-31. Review status: criteria provided, single submitter. Criteria: ACMG Guidelines, 2015. Collection method: clinical testing. Allele origin: germline. Observed: 1 variant allele.
Comment: PM2, PM3, PVS1

Literature cited by the submitters: PubMed 18022865 (cited by Labcorp Genetics (formerly Invitae), Labcorp); PubMed 20513915 (cited by Labcorp Genetics (formerly Invitae), Labcorp); PubMed 22184204 (cited by 3 submitters); PubMed 26909801 (cited by Mayo Clinic Laboratories, Mayo Clinic).

NM_001277115.2(DNAH11):c.12697C>T (p.Gln4233Ter)

Gene: DNAH11 (dynein axonemal heavy chain 11; plus strand). Cytogenetic location: 7p15.3.
Variant type: single nucleotide variant.
Coding change: c.12697C>T on transcript NM_001277115.2 (MANE Select); coding-DNA position 12697, C replaced by T.
Protein change: p.Gln4233Ter; replaces glutamine 4233 with a stop codon.
Molecular consequence: nonsense.
Genome position (GRCh38, 1-based): chr7:21,892,614, C>T. VCF-style: chr7-21892614-C-T. GRCh37 (hg19) VCF-style: chr7-21932232-C-T.
Other names: p.Gln4233*; short protein forms Q4233*.
Identifiers: ClinVar variation 837205 (VCV000837205.13), dbSNP rs72658823, ClinGen allele CA4183149.